The following is an entry in ClinVar:

ClinVar aggregate classification (germline): Uncertain significance (1 of 4 stars; one submission).

Submission:

GeneDx
Classification: Uncertain significance. Last evaluated: 2024-04-15. Review status: criteria provided, single submitter. Criteria: GeneDx Variant Classification Process June 2021. Collection method: clinical testing. Allele origin: germline. Affected: yes.
Comment: Not observed at significant frequency in large population cohorts (gnomAD); In silico analysis supports that this missense variant has a deleterious effect on protein structure/function; Has not been previously published as pathogenic or benign to our knowledge

NM_002742.3(PRKD1):c.565G>C (p.Ala189Pro)

Gene: PRKD1 (protein kinase D1; minus strand). Cytogenetic location: 14q12.
Variant type: single nucleotide variant.
Coding change: c.565G>C on transcript NM_002742.3 (MANE Select); coding-DNA position 565, G replaced by C.
Protein change: p.Ala189Pro; replaces alanine 189 with proline.
Molecular consequence: missense variant.
Genome position (GRCh38, 1-based): chr14:29,663,830, C>G on the plus strand (G>C on the coding strand, the complement: PRKD1 is on the minus strand). VCF-style: chr14-29663830-C-G. GRCh37 (hg19) VCF-style: chr14-30133036-C-G.
Other names: c.565G>C, p.Ala189Pro (NM_001330069.2); c.277G>C, p.Ala93Pro (NM_001348390.1); short protein forms A189P, A93P.
Identifiers: ClinVar variation 3372442 (VCV003372442.1).